The following is an entry in ClinVar:

NM_007254.4(PNKP):c.513T>G (p.Asp171Glu)

Gene: PNKP (polynucleotide kinase 3'-phosphatase; minus strand). Cytogenetic location: 19q13.33.
Variant type: single nucleotide variant.
Coding change: c.513T>G on transcript NM_007254.4 (MANE Select); coding-DNA position 513, T replaced by G.
Protein change: p.Asp171Glu; replaces aspartic acid 171 with glutamic acid.
Molecular consequence: missense variant.
Genome position (GRCh38, 1-based): chr19:49,864,389, A>C on the plus strand (T>G on the coding strand, the complement: PNKP is on the minus strand). VCF-style: chr19-49864389-A-C. GRCh37 (hg19) VCF-style: chr19-50367646-A-C.
Other names: short protein forms D171E.
Identifiers: ClinVar variation 565405 (VCV000565405.9), dbSNP rs929865929, ClinGen allele CA406887562.

ClinVar aggregate classification (germline): Uncertain significance (1 of 4 stars; one submission).

Conditions:
Developmental and epileptic encephalopathy, 12 (DEE12). Identifiers: MedGen C3150988, MONDO:0013389, OMIM 613722.

Submission:

Labcorp Genetics (formerly Invitae), Labcorp
Classification: Uncertain significance for Developmental and epileptic encephalopathy, 12. Last evaluated: 2018-06-12. Review status: criteria provided, single submitter. Criteria: Invitae Variant Classification Sherloc (09022015). Collection method: clinical testing. Allele origin: germline.
Comment: In summary, the available evidence is currently insufficient to determine the role of this variant in disease. Therefore, it has been classified as a Variant of Uncertain Significance. Algorithms developed to predict the effect of missense changes on protein structure and function (SIFT, PolyPhen-2, Align-GVGD) all suggest that this variant is likely to be disruptive, but these predictions have not been confirmed by published functional studies and their clinical significance is uncertain. This sequence change replaces aspartic acid with glutamic acid at codon 171 of the PNKP protein (p.Asp171Glu). The aspartic acid residue is highly conserved and there is a small physicochemical difference between aspartic acid and glutamic acid. This variant is not present in population databases (ExAC no frequency). This variant has not been reported in the literature in individuals with PNKP-related disease.